The following is an entry in ClinVar:

NM_006946.4(SPTBN2):c.3583C>A (p.Leu1195Met)

Gene: SPTBN2 (spectrin beta, non-erythrocytic 2; minus strand). Cytogenetic location: 11q13.2.
Variant type: single nucleotide variant.
Coding change: c.3583C>A on transcript NM_006946.4 (MANE Select); coding-DNA position 3583, C replaced by A.
Protein change: p.Leu1195Met; replaces leucine 1195 with methionine.
Molecular consequence: missense variant.
Genome position (GRCh38, 1-based): chr11:66,699,599, G>T on the plus strand (C>A on the coding strand, the complement: SPTBN2 is on the minus strand). VCF-style: chr11-66699599-G-T. GRCh37 (hg19) VCF-style: chr11-66467070-G-T.
Other names: c.3604C>A, p.Leu1202Met (NM_001411025.1); short protein forms L1202M, L1195M.
Identifiers: ClinVar variation 2790379 (VCV002790379.3), dbSNP rs1427367152, ClinGen allele CA381472742.

ClinVar aggregate classification (germline): Uncertain significance (1 of 4 stars; one submission).

gnomAD v4.1: 7 of 1,613,922 alleles (0.00043%); highest among the groups gnomAD compares: South Asian, 0.0011%; no homozygotes.

Submission:

Labcorp Genetics (formerly Invitae), Labcorp
Classification: Uncertain significance. Last evaluated: 2024-05-20. Review status: criteria provided, single submitter. Criteria: Invitae Variant Classification Sherloc (09022015). Collection method: clinical testing. Allele origin: germline.
Comment: This sequence change replaces leucine, which is neutral and non-polar, with methionine, which is neutral and non-polar, at codon 1195 of the SPTBN2 protein (p.Leu1195Met). This variant is present in population databases (no rsID available, gnomAD 0.0009%). This variant has not been reported in the literature in individuals affected with SPTBN2-related conditions. Advanced modeling of protein sequence and biophysical properties (such as structural, functional, and spatial information, amino acid conservation, physicochemical variation, residue mobility, and thermodynamic stability) performed at Invitae indicates that this missense variant is expected to disrupt SPTBN2 protein function with a positive predictive value of 80%. In summary, the available evidence is currently insufficient to determine the role of this variant in disease. Therefore, it has been classified as a Variant of Uncertain Significance.